The following is an entry in ClinVar:

ClinVar aggregate classification (germline): Uncertain significance. Review status: criteria provided, multiple submitters, no conflicts (2 of 4 stars). 7 submissions from 4 submitters: Uncertain significance (7). Last evaluated 2025-11-10.

Conditions:
Multiple endocrine neoplasia, type 2 (MEN2). Identifiers: Orphanet 653, MedGen C4048306, MONDO:0019003. Disease mechanism: gain of function.
Pheochromocytoma. Also called: MAX-Related Hereditary Paraganglioma-Pheochromocytoma Syndrome. Identifiers: Orphanet 29072, MedGen C0031511, MONDO:0008233, OMIM 171300, HP:0002666.
Renal hypodysplasia/aplasia 1 (RHDA1). Also called: RENAL APLASIA; HEREDITARY RENAL APLASIA. Identifiers: Orphanet 411709, MedGen C1619700, MONDO:0024519, OMIM 191830.
Multiple endocrine neoplasia. Identifiers: Orphanet 276161, MedGen C0027662, MONDO:0017169.
Hirschsprung disease, susceptibility to, 1 (HSCR1). Also called: RET-Related Hirschsprung Disease. Identifiers: Orphanet 388, MedGen C3888239, MONDO:0007723, OMIM 142623.
Hereditary cancer-predisposing syndrome. Also called: Hereditary neoplastic syndrome; Tumor predisposition; Neoplastic Syndromes, Hereditary; Hereditary Cancer Syndrome. Identifiers: Orphanet 140162, MedGen C0027672, MeSH D009386, MONDO:0015356.

Allele frequency attached by ClinVar (database versions not stated): gnomAD exomes below 0.00001.
gnomAD v4.1: 18 of 1,613,804 alleles (0.0011%); highest among the groups gnomAD compares: Non-Finnish European, 0.0014%; no homozygotes.

Submissions (7):

Labcorp Genetics (formerly Invitae), Labcorp
Classification: Uncertain significance for Multiple endocrine neoplasia, type 2. Last evaluated: 2025-11-10. Review status: criteria provided, single submitter. Criteria: Invitae Variant Classification Sherloc (09022015). Collection method: clinical testing. Allele origin: germline.
Comment: This sequence change replaces methionine, which is neutral and non-polar, with lysine, which is basic and polar, at codon 370 of the RET protein (p.Met370Lys). This variant is present in population databases (no rsID available, gnomAD 0.0009%). This variant has not been reported in the literature in individuals affected with RET-related conditions. ClinVar contains an entry for this variant (Variation ID: 299890). An algorithm developed to predict the effect of missense changes on protein structure and function (PolyPhen-2) suggests that this variant is likely to be tolerated. In summary, the available evidence is currently insufficient to determine the role of this variant in disease. Therefore, it has been classified as a Variant of Uncertain Significance.

Ambry Genetics
Classification: Uncertain significance for Hereditary cancer-predisposing syndrome. Last evaluated: 2025-04-10. Review status: criteria provided, single submitter. Criteria: Ambry Variant Classification Scheme 2023. Collection method: clinical testing. Allele origin: germline.
Comment: The p.M370K variant (also known as c.1109T>A), located in coding exon 6 of the RET gene, results from a T to A substitution at nucleotide position 1109. The methionine at codon 370 is replaced by lysine, an amino acid with similar properties. This amino acid position is poorly conserved in available vertebrate species. In addition, this alteration is predicted to be tolerated by in silico analysis. Based on the available evidence, the clinical significance of this variant remains unclear.

All of Us Research Program, National Institutes of Health
Classification: Uncertain significance for Multiple endocrine neoplasia, type 2. Last evaluated: 2023-12-18. Review status: criteria provided, single submitter. Criteria: ACMG Guidelines, 2015. Collection method: clinical testing. Allele origin: germline. Inheritance: Autosomal dominant inheritance. Observed: 1 variant allele, 1 heterozygote.
Comment: This missense variant replaces methionine with lysine at codon 370 of the RET protein. Computational prediction suggests that this variant may not impact protein structure and function (internally defined REVEL score threshold <= 0.5, PMID: 27666373). To our knowledge, functional studies have not been reported for this variant. This variant has not been reported in individuals affected with RET-related disorders in the literature. This variant has been identified in 1/250910 chromosomes in the general population by the Genome Aggregation Database (gnomAD). The available evidence is insufficient to determine the role of this variant in disease conclusively. Therefore, this variant is classified as a Variant of Uncertain Significance.

This study involves interpretation of variants in research participants for the purpose of population health screening. Participant phenotype was not available at the time of variant classification. Additional details can be found in publication PMID: 35346344, PMCID: PMC8962531

Illumina Laboratory Services, Illumina
Classification: Uncertain significance for Pheochromocytoma. Last evaluated: 2018-01-12. Review status: criteria provided, single submitter. Criteria: ICSL Variant Classification Criteria 13 December 2019. Collection method: clinical testing. Allele origin: germline.

Illumina Laboratory Services, Illumina
Classification: Uncertain significance for Renal hypodysplasia/aplasia 1. Last evaluated: 2018-01-12. Review status: criteria provided, single submitter. Criteria: ICSL Variant Classification Criteria 13 December 2019. Collection method: clinical testing. Allele origin: germline.

Illumina Laboratory Services, Illumina
Classification: Uncertain significance for Multiple endocrine neoplasia. Last evaluated: 2018-01-12. Review status: criteria provided, single submitter. Criteria: ICSL Variant Classification Criteria 13 December 2019. Collection method: clinical testing. Allele origin: germline.

Illumina Laboratory Services, Illumina
Classification: Uncertain significance for Hirschsprung disease, susceptibility to, 1. Last evaluated: 2018-01-12. Review status: criteria provided, single submitter. Criteria: ICSL Variant Classification Criteria 13 December 2019. Collection method: clinical testing. Allele origin: germline.

NM_020975.6(RET):c.1109T>A (p.Met370Lys)

Gene: RET (ret proto-oncogene; plus strand). Cytogenetic location: 10q11.21.
Variant type: single nucleotide variant.
Coding change: c.1109T>A on transcript NM_020975.6 (MANE Select); coding-DNA position 1109, T replaced by A.
Protein change: p.Met370Lys; replaces methionine 370 with lysine.
Molecular consequence: missense variant.
Genome position (GRCh38, 1-based): chr10:43,109,076, T>A. VCF-style: chr10-43109076-T-A. GRCh37 (hg19) VCF-style: chr10-43604524-T-A.
Other names: c.1109T>A, p.Met370Lys (NM_000323.2, NM_001406743.1, NM_001406744.1 and 6 more transcripts); c.347T>A, p.Met116Lys (NM_001355216.2); c.980T>A, p.Met327Lys (NM_001406761.1, NM_001406762.1, NM_001406764.1 and 1 more transcripts); c.821T>A, p.Met274Lys (NM_001406766.1, NM_001406767.1, NM_001406770.1); c.671T>A, p.Met224Lys (NM_001406771.1, NM_001406773.1); c.383T>A, p.Met128Lys (NM_001406775.1, NM_001406776.1, NM_001406777.1 and 1 more transcripts); c.119T>A, p.Met40Lys (NM_001406784.1); short protein forms M370K, M116K, M327K, M274K, M224K, M40K, M128K.
Identifiers: ClinVar variation 299890 (VCV000299890.19), dbSNP rs886046987, ClinGen allele CA10628535.